The following is an entry in ClinVar:

ClinVar aggregate classification (germline): Uncertain significance (1 of 4 stars; one submission).

Conditions:
Cardiovascular phenotype. Identifiers: MedGen CN230736.

Submission:

Ambry Genetics
Classification: Uncertain significance for Cardiovascular phenotype. Last evaluated: 2025-06-28. Review status: criteria provided, single submitter. Criteria: Ambry Variant Classification Scheme 2023. Collection method: clinical testing. Allele origin: germline.
Comment: The p.L316V variant (also known as c.946C>G), located in coding exon 10 of the EYA4 gene, results from a C to G substitution at nucleotide position 946. The leucine at codon 316 is replaced by valine, an amino acid with highly similar properties. This amino acid position is conserved. In addition, this alteration is predicted to be tolerated by in silico analysis. Based on the available evidence, the clinical significance of this variant remains unclear.

NM_004100.5(EYA4):c.946C>G (p.Leu316Val)

Gene: EYA4 (EYA transcriptional coactivator and phosphatase 4; plus strand). Cytogenetic location: 6q23.2.
Variant type: single nucleotide variant.
Coding change: c.946C>G on transcript NM_004100.5 (MANE Select); coding-DNA position 946, C replaced by G.
Protein change: p.Leu316Val; replaces leucine 316 with valine.
Molecular consequence: missense variant.
Genome position (GRCh38, 1-based): chr6:133,468,707, C>G. VCF-style: chr6-133468707-C-G. GRCh37 (hg19) VCF-style: chr6-133789845-C-G.
Other names: c.784C>G, p.Leu262Val (NM_001301012.2, NM_001370459.1); c.946C>G, p.Leu316Val (NM_001301013.2, NM_172105.4); c.877C>G, p.Leu293Val (NM_001370458.1, NM_172103.4); short protein forms L262V, L316V, L293V.
Identifiers: ClinVar variation 4252199 (VCV004252199.1).
Genomic context (GRCh38, chr6:133,468,707, plus strand): 5'-TCGAATAACACAGCCGATGGCACACCCTCTTCAACCTCTACTTATCAGTTGCAGGAATCT[C>G]TCCCAGGACTGACTAACCAACCAGGTACAGATCTTCACCCAGGTGAAATACTTTTATATG-3'
Protein context (NP_004091.3, residues 306-326): STSTYQLQES[Leu316Val]PGLTNQPGEF